The following is an entry in ClinVar:

NM_020778.5(ALPK3):c.1984A>G (p.Met662Val)

Gene: ALPK3 (alpha kinase 3; plus strand). Cytogenetic location: 15q25.3.
Variant type: single nucleotide variant.
Coding change: c.1984A>G on transcript NM_020778.5 (MANE Select); coding-DNA position 1984, A replaced by G.
Protein change: p.Met662Val; replaces methionine 662 with valine.
Molecular consequence: missense variant.
Genome position (GRCh38, 1-based): chr15:84,856,722, A>G. VCF-style: chr15-84856722-A-G. GRCh37 (hg19) VCF-style: chr15-85399953-A-G.
Other names: short protein forms M662V.
Identifiers: ClinVar variation 3649755 (VCV003649755.2).

ClinVar aggregate classification (germline): Uncertain significance (1 of 4 stars; one submission).

Submission:

Labcorp Genetics (formerly Invitae), Labcorp
Classification: Uncertain significance. Last evaluated: 2024-04-18. Review status: criteria provided, single submitter. Criteria: Invitae Variant Classification Sherloc (09022015). Collection method: clinical testing. Allele origin: germline.
Comment: This sequence change replaces methionine, which is neutral and non-polar, with valine, which is neutral and non-polar, at codon 864 of the ALPK3 protein (p.Met864Val). This variant is present in population databases (rs749036582, gnomAD 0.002%). This variant has not been reported in the literature in individuals affected with ALPK3-related conditions. Algorithms developed to predict the effect of missense changes on protein structure and function output the following: SIFT: "Not Available"; PolyPhen-2: "Benign"; Align-GVGD: "Not Available". The valine amino acid residue is found in multiple mammalian species, which suggests that this missense change does not adversely affect protein function. In summary, the available evidence is currently insufficient to determine the role of this variant in disease. Therefore, it has been classified as a Variant of Uncertain Significance.